The following is an entry in ClinVar:

ClinVar aggregate classification (germline): Uncertain significance (1 of 4 stars; one submission).

Submission:

Labcorp Genetics (formerly Invitae), Labcorp
Classification: Uncertain significance. Last evaluated: 2025-09-23. Review status: criteria provided, single submitter. Criteria: Invitae Variant Classification Sherloc (09022015). Collection method: clinical testing. Allele origin: germline.
Comment: This sequence change replaces asparagine, which is neutral and polar, with serine, which is neutral and polar, at codon 131 of the LRRC10 protein (p.Asn131Ser). This variant is present in population databases (no rsID available, gnomAD 0.003%). This variant has not been reported in the literature in individuals affected with LRRC10-related conditions. An algorithm developed to predict the effect of missense changes on protein structure and function (PolyPhen-2) suggests that this variant is likely to be disruptive. In summary, the available evidence is currently insufficient to determine the role of this variant in disease. Therefore, it has been classified as a Variant of Uncertain Significance.

NM_201550.4(LRRC10):c.392A>G (p.Asn131Ser)

Gene: LRRC10 (leucine rich repeat containing 10; minus strand). Cytogenetic location: 12q15.
Variant type: single nucleotide variant.
Coding change: c.392A>G on transcript NM_201550.4 (MANE Select); coding-DNA position 392, A replaced by G.
Protein change: p.Asn131Ser; replaces asparagine 131 with serine.
Molecular consequence: missense variant.
Genome position (GRCh38, 1-based): chr12:69,610,447, T>C on the plus strand (A>G on the coding strand, the complement: LRRC10 is on the minus strand). VCF-style: chr12-69610447-T-C. GRCh37 (hg19) VCF-style: chr12-70004227-T-C.
Other names: short protein forms N131S.
Identifiers: ClinVar variation 4788466 (VCV004788466.1).
Genomic context (GRCh38, chr12:69,610,447, plus strand): 5'-GCATGCAGAGTCTTAAGGAGACTCAGCTCACAGACCACATCCGGCAGCTGGGTGAGGCAG[T>C]TGGCCTCGATCCACAGGGTCCTGAGGTTCTGGAGCAGGCTCAGCTCACTGGGGAGGTCGC-3'
Protein context (NP_963844.2, residues 121-141): QNLRTLWIEA[Asn131Ser]CLTQLPDVVC